The following is an entry in ClinVar:

ClinVar aggregate classification (germline): Uncertain significance (1 of 4 stars; one submission).

Conditions:
Fanconi anemia complementation group J. Also called: BRIP1-Related Fanconi Anemia. Identifiers: Orphanet 84, MedGen C1836860, MONDO:0012187, OMIM 609054.
Familial cancer of breast. Also called: BREAST CANCER, FAMILIAL; Hereditary breast cancer; hereditary breast carcinoma. Identifiers: Orphanet 227535, MedGen C0346153, MONDO:0016419, OMIM 114480. Disease mechanism: loss of function.

gnomAD v4.1: 1 of 1,613,908 alleles (0.000062%); highest among the groups gnomAD compares: Non-Finnish European, 0.000085%; no homozygotes.

Submission:

Labcorp Genetics (formerly Invitae), Labcorp
Classification: Uncertain significance for Familial cancer of breast; Fanconi anemia complementation group J. Last evaluated: 2024-08-05. Review status: criteria provided, single submitter. Criteria: Invitae Variant Classification Sherloc (09022015). Collection method: clinical testing. Allele origin: germline.
Comment: This sequence change replaces phenylalanine, which is neutral and non-polar, with leucine, which is neutral and non-polar, at codon 771 of the BRIP1 protein (p.Phe771Leu). This variant is present in population databases (no rsID available, gnomAD 0.0009%). This variant has not been reported in the literature in individuals affected with BRIP1-related conditions. Advanced modeling of protein sequence and biophysical properties (such as structural, functional, and spatial information, amino acid conservation, physicochemical variation, residue mobility, and thermodynamic stability) performed at Invitae indicates that this missense variant is expected to disrupt BRIP1 protein function with a positive predictive value of 80%. In summary, the available evidence is currently insufficient to determine the role of this variant in disease. Therefore, it has been classified as a Variant of Uncertain Significance.

NM_032043.3(BRIP1):c.2313C>G (p.Phe771Leu)

Gene: BRIP1 (BRCA1 interacting DNA helicase 1; minus strand). Cytogenetic location: 17q23.2.
Variant type: single nucleotide variant.
Coding change: c.2313C>G on transcript NM_032043.3 (MANE Select); coding-DNA position 2313, C replaced by G.
Protein change: p.Phe771Leu; replaces phenylalanine 771 with leucine.
Molecular consequence: missense variant.
Genome position (GRCh38, 1-based): chr17:61,743,079, G>C on the plus strand (C>G on the coding strand, the complement: BRIP1 is on the minus strand). VCF-style: chr17-61743079-G-C. GRCh37 (hg19) VCF-style: chr17-59820440-G-C.
Other names: short protein forms F771L.
Identifiers: ClinVar variation 2942807 (VCV002942807.3), dbSNP rs1298345650, ClinGen allele CA400482654.
Genomic context (GRCh38, chr17:61,743,079, plus strand): 5'-ATCTTTCACATTTGGAAAAGGAATTCCTATTGTTATGACAGCACGGGCATTGTCATCTGA[G>C]AAATCCAGACCCTCACTCACTTTACCACGACAAACTGCTACCAGGAGAGCTCCATCTTAA-3'
Protein context (NP_114432.2, residues 761-781): CRGKVSEGLD[Phe771Leu]SDDNARAVIT